The following is an entry in ClinVar:

NM_177972.3(TUB):c.91-7T>C

Gene: TUB (TUB bipartite transcription factor; plus strand). Cytogenetic location: 11p15.4.
Variant type: single nucleotide variant.
Coding change: c.91-7T>C on transcript NM_177972.3 (MANE Select); 7 bases into the intron before coding-DNA position 91, T replaced by C.
Molecular consequence: intron variant.
Genome position (GRCh38, 1-based): chr11:8,090,062, T>C. VCF-style: chr11-8090062-T-C. GRCh37 (hg19) VCF-style: chr11-8111609-T-C.
Other names: c.256-7T>C (NM_003320.5, NM_003320.4).
Identifiers: ClinVar variation 1121837 (VCV001121837.12), dbSNP rs539616172, ClinGen allele CA5870957.

ClinVar aggregate classification (germline): Likely benign. Review status: criteria provided, multiple submitters, no conflicts (2 of 4 stars). 3 submissions from 3 submitters: Likely benign (2). 1 of the submissions does not count toward it. Last evaluated 2025-02-19.

Conditions:
TUB-related disorder. Also called: TUB-related condition.

Allele frequency attached by ClinVar (database versions not stated): gnomAD exomes 0.00001; ExAC 0.00005; gnomAD 0.00011 and 0.00013; 1000 Genomes Project 30x 0.00016; TOPMed 0.00016; 1000 Genomes Project 0.00020.
gnomAD v4.1: 38 of 1,594,108 alleles (0.0024%); highest among the groups gnomAD compares: African/African-American, 0.046%; no homozygotes.

Submissions (3):

Labcorp Genetics (formerly Invitae), Labcorp
Classification: Likely benign. Last evaluated: 2025-02-19. Review status: criteria provided, single submitter. Criteria: Invitae Variant Classification Sherloc (09022015). Collection method: clinical testing. Allele origin: germline.

Blueprint Genetics
Classification: Likely benign. Last evaluated: 2023-06-16. Review status: criteria provided, single submitter. Criteria: ACMG Guidelines, 2015. Collection method: clinical testing. Allele origin: germline.

PreventionGenetics, part of Exact Sciences
Classification: Likely benign for TUB-related condition. Last evaluated: 2019-07-11. Review status: no assertion criteria provided. Collection method: clinical testing. Allele origin: germline. Not counted in ClinVar's aggregate classification.
Comment: This variant is classified as likely benign based on ACMG/AMP sequence variant interpretation guidelines (Richards et al. 2015 PMID: 25741868, with internal and published modifications).